The following is an entry in ClinVar:

NM_001300939.2(WNT8A):c.634T>G (p.Cys212Gly)

Gene: WNT8A (Wnt family member 8A; plus strand). Cytogenetic location: 5q31.2.
Variant type: single nucleotide variant.
Coding change: c.634T>G on transcript NM_001300939.2 (MANE Select); coding-DNA position 634, T replaced by G.
Protein change: p.Cys212Gly; replaces cysteine 212 with glycine.
Molecular consequence: missense variant. On other transcripts: non-coding transcript variant (1).
Genome position (GRCh38, 1-based): chr5:138,090,597, T>G. VCF-style: chr5-138090597-T-G. GRCh37 (hg19) VCF-style: chr5-137426286-T-G.
Other names: NM_058244.4:c.580T>G; c.634T>G, p.Cys212Gly (NM_001300938.2); c.580T>G, p.Cys194Gly (NM_058244.4); short protein forms C194G, C212G.
Identifiers: ClinVar variation 4070912 (VCV004070912.1).
Genomic context (GRCh38, chr5:138,090,597, plus strand): 5'-GCCACCATGAAAAGGACATGCAAATGTCATGGCATCTCTGGGAGCTGCAGCATACAGACA[T>G]GCTGGCTGCAGCTGGCTGAATTCCGGGAGATGGGAGACTACCTAAAGGCCAAGTATGACC-3'
Protein context (NP_001287868.1, residues 202-222): GISGSCSIQT[Cys212Gly]WLQLAEFREM

ClinVar aggregate classification (germline): Uncertain significance (1 of 4 stars; one submission).

Conditions:
Congenital fibrosis of extraocular muscles. Also called: Congenital Fibrosis of the Extraocular Muscles. Identifiers: Orphanet 45358, MedGen C1302995, MONDO:0007614, HP:0001491.

Submission:

Broad Center for Mendelian Genomics, Broad Institute of MIT and Harvard
Classification: Uncertain significance for Congenital fibrosis of extraocular muscles. Last evaluated: 2025-06-27. Review status: criteria provided, single submitter. Criteria: ACMG Guidelines, 2015. Collection method: curation. Allele origin: germline. Inheritance: Autosomal recessive inheritance. Study: GREGoR Consortium.
Comment: While this gene is still lacking sufficient evidence to establish a gene-disease relationship, we believe this is a possible novel gene candidate for congenital fibrosis of extraocular muscles, cerebellar malformation, and developmental delay. Given the limited information about this gene-disease relationship, the significance of the p.Cys212Gly variant is uncertain. If you have any additional information about functional evidence or other individuals with this phenotype that also have variants in WNT8A we encourage you to reach out to us.